The following is an entry in ClinVar:

ClinVar aggregate classification (germline): Conflicting classifications of pathogenicity. Review status: criteria provided, conflicting classifications (1 of 4 stars). 2 submissions from 2 submitters: Likely pathogenic (1); Uncertain significance (1). Last evaluated 2025-01-06.

Conditions:
TRPM1-related disorder. Also called: TRPM1-related condition.

Submissions (2):

PreventionGenetics, part of Exact Sciences
Classification: Likely pathogenic for TRPM1-related condition. Last evaluated: 2025-01-06. Review status: criteria provided, single submitter. Criteria: ACMG Guidelines, 2015. Collection method: clinical testing. Allele origin: germline.
Comment: The TRPM1 c.4181delG variant is predicted to result in a frameshift and premature protein termination (p.Gly1394Valfs*27). To our knowledge, this variant has not been reported in the literature. This variant is reported in 0.0065% of alleles in individuals of African descent in gnomAD. This variant occurs within the last exon and may not result in nonsense mediated decay, however this variant causes truncation of the protein product by more than 10% and downstream causative loss-of-function variants have been reported. Frameshift variants in TRPM1 are expected to be pathogenic. This variant is interpreted as likely pathogenic.

Blueprint Genetics
Classification: Uncertain significance. Last evaluated: 2021-10-14. Review status: criteria provided, single submitter. Criteria: ACMG Guidelines, 2015. Collection method: clinical testing. Allele origin: germline.

NM_001252024.2(TRPM1):c.4130del (p.Gly1377fs)

Gene: TRPM1 (transient receptor potential cation channel subfamily M member 1; minus strand). Cytogenetic location: 15q13.3.
Variant type: Deletion.
Coding change: c.4130del on transcript NM_001252024.2 (MANE Select); coding-DNA position 4130, one base deleted (G; older notation c.4130delG).
Protein change: p.Gly1377fs; shifts the reading frame from glycine 1377.
Molecular consequence: frameshift variant.
Genome position (GRCh38, 1-based): chr15:31,002,570, C deleted on the plus strand (G on the coding strand, the reverse complement: TRPM1 is on the minus strand); the first of 2 consecutive C bases (chr15:31,002,570-31,002,571); deleting either gives the same sequence. VCF-style (leftmost placement, unchanged base first): chr15-31002569-AC-A. GRCh37 (hg19) VCF-style: chr15-31294772-AC-A.
Other names: c.4181delG (NM_001252020.1); c.4181del, p.Gly1394fs (NM_001252020.2); c.4064del, p.Gly1355fs (NM_002420.6); short protein forms G1394fs, G1355fs, G1377fs.
Identifiers: ClinVar variation 4923814 (VCV004923814.2).